The following is an entry in ClinVar:

NM_001370259.2(MEN1):c.638C>A (p.Ala213Asp)

Gene: MEN1 (menin 1; minus strand). Cytogenetic location: 11q13.1.
Variant type: single nucleotide variant.
Coding change: c.638C>A on transcript NM_001370259.2 (MANE Select); coding-DNA position 638, C replaced by A.
Protein change: p.Ala213Asp; replaces alanine 213 with aspartic acid.
Molecular consequence: missense variant. On other transcripts: intron variant (2).
Genome position (GRCh38, 1-based): chr11:64,807,907, G>T on the plus strand (C>A on the coding strand, the complement: MEN1 is on the minus strand). VCF-style: chr11-64807907-G-T. GRCh37 (hg19) VCF-style: chr11-64575379-G-T.
Other names: c.653C>A, p.Ala218Asp (NM_000244.4, NM_001407145.1, NM_001407150.1 and 5 more transcripts); c.638C>A, p.Ala213Asp (NM_001370251.2, NM_001370260.2, NM_001370261.2 and 7 more transcripts); c.549+89C>A (NM_001370263.2, NM_001370262.2); short protein forms A213D, A218D.
Identifiers: ClinVar variation 1753212 (VCV001753212.2), dbSNP rs1941851089, ClinGen allele CA381185338.

ClinVar aggregate classification (germline): Uncertain significance (1 of 4 stars; one submission).

Conditions:
Hereditary cancer-predisposing syndrome. Also called: Neoplastic Syndromes, Hereditary; Tumor predisposition; Hereditary Cancer Syndrome; Hereditary neoplastic syndrome. Identifiers: Orphanet 140162, MedGen C0027672, MeSH D009386, MONDO:0015356.

Allele frequency attached by ClinVar (database versions not stated): TOPMed below 0.00001.

Submission:

Ambry Genetics
Classification: Uncertain significance for Hereditary cancer-predisposing syndrome. Last evaluated: 2022-10-08. Review status: criteria provided, single submitter. Criteria: Ambry Variant Classification Scheme 2023. Collection method: clinical testing. Allele origin: germline.
Comment: The p.A213D variant (also known as c.638C>A), located in coding exon 2 of the MEN1 gene, results from a C to A substitution at nucleotide position 638. The alanine at codon 213 is replaced by aspartic acid, an amino acid with dissimilar properties. This amino acid position is conserved. In addition, this alteration is predicted to be deleterious by in silico analysis. Since supporting evidence is limited at this time, the clinical significance of this alteration remains unclear.